The following is an entry in ClinVar:

ClinVar aggregate classification (germline): Pathogenic/Likely pathogenic. Review status: criteria provided, multiple submitters, no conflicts (2 of 4 stars). 4 submissions from 4 submitters: Pathogenic (2); Likely pathogenic (1). 1 of the submissions does not count toward it. Last evaluated 2024-11-27.

Conditions:
SLC25A26-related disorder. Also called: SLC25A26-related condition.
Combined oxidative phosphorylation deficiency 28 (COXPD28). Identifiers: Orphanet 466784, MedGen C5569081, MONDO:0014775, OMIM 616794.

Allele frequency attached by ClinVar (database versions not stated): gnomAD 0.00001; gnomAD exomes 0.00001; TOPMed 0.00002; ExAC 0.00006.
gnomAD v4.1: 15 of 1,529,662 alleles (0.00098%); highest among the groups gnomAD compares: Admixed American, 0.004%; no homozygotes.

Submissions (4):

GeneDx
Classification: Pathogenic. Last evaluated: 2024-11-27. Review status: criteria provided, single submitter. Criteria: GeneDx Variant Classification Process June 2021. Collection method: clinical testing. Allele origin: germline.
Comment: Canonical splice site variant predicted to result in a null allele in a gene for which loss of function is a known mechanism of disease; Published functional studies demonstrate a damaging effect, resulting in either a null frameshift event or a nonfunctional shorter polypeptide (PMID: 26522469); Not observed at significant frequency in large population cohorts (gnomAD); This variant is associated with the following publications: (PMID: 26522469)

Blueprint Genetics
Classification: Pathogenic for SLC25A26-related disorders. Last evaluated: 2024-09-11. Review status: criteria provided, single submitter. Criteria: ACMG Guidelines, 2015. Collection method: clinical testing. Allele origin: germline. Affected: yes. Observed: 5 variant alleles.

Laboratorio de Genetica e Diagnostico Molecular, Hospital Israelita Albert Einstein
Classification: Likely pathogenic for Combined oxidative phosphorylation deficiency 28. Last evaluated: 2022-08-01. Review status: criteria provided, single submitter. Criteria: ACMG Guidelines, 2015. Collection method: clinical testing. Allele origin: germline. Affected: yes.
Comment: ACMG classification criteria: PVS1 strong, PS3 supporting, PS4 supporting, PM2 moderated, PM3 supporting

OMIM
Classification: Pathogenic for COMBINED OXIDATIVE PHOSPHORYLATION DEFICIENCY 28. Last evaluated: 2020-11-20. Review status: no assertion criteria provided. Collection method: literature only. Allele origin: germline. Not counted in ClinVar's aggregate classification.

Literature cited by the submitters: PubMed 26522469 (cited by OMIM).

NM_001379210.1(SLC25A26):c.33+1G>A

Gene: SLC25A26 (solute carrier family 25 member 26; plus strand). Cytogenetic location: 3p14.1.
Variant type: single nucleotide variant.
Coding change: c.33+1G>A on transcript NM_001379210.1 (MANE Select); the canonical splice donor site of the intron after coding-DNA position 33, G replaced by A.
Molecular consequence: splice donor variant. On other transcripts: intron variant (1).
Genome position (GRCh38, 1-based): chr3:66,221,128, G>A. VCF-style: chr3-66221128-G-A. GRCh37 (hg19) VCF-style: chr3-66271554-G-A.
Other names: IVS2DS, G-A, +1; c.33+1G>A (NM_173471.4, NM_001400705.1, NM_001400707.1); c.-319+1G>A (NM_001350993.1); c.-75+1G>A (NM_001164796.1, NM_001400709.1, NM_001400714.1); c.-232+270G>A (NM_001400711.1).
Identifiers: ClinVar variation 222009 (VCV000222009.7), dbSNP rs781798317, ClinGen allele CA059877.
Genomic context (GRCh38, chr3:66,221,128, plus strand): 5'-TGTAGCCTTGACGAGGTCTGAGCGACCATGGACCGGCCGGGGTTCGTGGCAGCGCTGGTG[G>A]TGAGTGCGGGGCGGTGGGGTGGGTTGCTCAGAGTGCCGGCGTCCGGCATTGGAGCCCGCG-3'